The following is an entry in ClinVar:

NM_000368.5(TSC1):c.693G>A (p.Pro231=)

Gene: TSC1 (TSC complex subunit 1; minus strand). Cytogenetic location: 9q34.13.
Variant type: single nucleotide variant.
Coding change: c.693G>A on transcript NM_000368.5 (MANE Select); coding-DNA position 693, G replaced by A.
Protein change: p.Pro231=; no amino-acid change (proline 231 retained).
Molecular consequence: synonymous variant.
Genome position (GRCh38, 1-based): chr9:132,921,407, C>T on the plus strand (G>A on the coding strand, the complement: TSC1 is on the minus strand). VCF-style: chr9-132921407-C-T. GRCh37 (hg19) VCF-style: chr9-135796794-C-T.
Other names: c.693G>A, p.Pro231= (NM_001162426.2); c.540G>A, p.Pro180= (NM_001162427.2); c.330G>A, p.Pro110= (NM_001362177.2).
Identifiers: ClinVar variation 855729 (VCV000855729.8), dbSNP rs749311040, ClinGen allele CA038563.
Genomic context (GRCh38, chr9:132,921,407, plus strand): 5'-ACACTAGTTTCTATACCTTCGAGGGTCCAGTTCATGGTCCTTGGATCCAGTCACTAATTC[C>T]GGATGAATTCGCACATGCTCCATCATTGGCTAGAAGAGTTGGGTTGACAAATTATAAAGG-3'
Protein context (NP_000359.1, residues 221-241): KPMMEHVRIH[Pro231=]ELVTGSKDHE

ClinVar aggregate classification (germline): Benign/Likely benign. Review status: criteria provided, multiple submitters, no conflicts (2 of 4 stars). 2 submissions from 2 submitters: Benign (1); Likely benign (1). Last evaluated 2025-12-08.

Conditions:
Tuberous sclerosis 1 (TSC1). Identifiers: Orphanet 805, MedGen C1854465, MONDO:0008612, OMIM 191100.

Allele frequency attached by ClinVar (database versions not stated): gnomAD exomes below 0.00001; ExAC 0.00001.
gnomAD v4.1: 4 of 1,614,088 alleles (0.00025%); highest among the groups gnomAD compares: Non-Finnish European, 0.00025%; no homozygotes.

Submissions (2):

Labcorp Genetics (formerly Invitae), Labcorp
Classification: Likely benign for Tuberous sclerosis 1. Last evaluated: 2025-12-08. Review status: criteria provided, single submitter. Criteria: Invitae Variant Classification Sherloc (09022015). Collection method: clinical testing. Allele origin: germline.

Myriad Genetics, Inc.
Classification: Benign for Tuberous sclerosis 1. Last evaluated: 2025-04-08. Review status: criteria provided, single submitter. Criteria: Myriad Autosomal Dominant, Autosomal Recessive and X-Linked Classification Criteria (2023). Collection method: clinical testing. Allele origin: unknown.
Comment: This variant is considered benign. This variant is a silent/synonymous amino acid change and it is not expected to impact splicing.